The following is an entry in ClinVar:

ClinVar aggregate classification (germline): Uncertain significance (1 of 4 stars; one submission).

Conditions:
Inborn genetic diseases. Identifiers: MedGen C0950123, MeSH D030342.

gnomAD v4.1: 4 of 1,614,082 alleles (0.00025%); highest among the groups gnomAD compares: Non-Finnish European, 0.00034%; no homozygotes.

Submission:

Ambry Genetics
Classification: Uncertain significance for Inborn genetic diseases. Last evaluated: 2025-03-05. Review status: criteria provided, single submitter. Criteria: Ambry Variant Classification Scheme 2023. Collection method: clinical testing. Allele origin: germline.
Comment: The p.A433P variant (also known as c.1297G>C), located in coding exon 12 of the ASXL1 gene, results from a G to C substitution at nucleotide position 1297. The alanine at codon 433 is replaced by proline, an amino acid with highly similar properties. This amino acid position is conserved. In addition, this alteration is predicted to be tolerated by in silico analysis. Based on the available evidence, the clinical significance of this variant remains unclear.

NM_015338.6(ASXL1):c.1297G>C (p.Ala433Pro)

Gene: ASXL1 (ASXL transcriptional regulator 1; plus strand). Cytogenetic location: 20q11.21.
Variant type: single nucleotide variant.
Coding change: c.1297G>C on transcript NM_015338.6 (MANE Select); coding-DNA position 1297, G replaced by C.
Protein change: p.Ala433Pro; replaces alanine 433 with proline.
Molecular consequence: missense variant.
Genome position (GRCh38, 1-based): chr20:32,433,495, G>C. VCF-style: chr20-32433495-G-C. GRCh37 (hg19) VCF-style: chr20-31021298-G-C.
Other names: c.1114G>C, p.Ala372Pro (NM_001363734.1); short protein forms A372P, A433P.
Identifiers: ClinVar variation 3794068 (VCV003794068.1).
Genomic context (GRCh38, chr20:32,433,495, plus strand): 5'-CGGCCAGATCTCCGAACCAGAGCCAGAAGGAATCTGTACAAAAAACAGGAGTCAGAACAA[G>C]CAGGGGTTGCTAAGGATGCAAAATCTGTGGCCTCAGATGTTCCCCTCTACAAGGATGGGG-3'
Protein context (NP_056153.2, residues 423-443): NLYKKQESEQ[Ala433Pro]GVAKDAKSVA